The following is an entry in ClinVar:

ClinVar aggregate classification (germline): Pathogenic (1 of 4 stars; one submission).

Conditions:
Fanconi anemia complementation group J. Also called: BRIP1-Related Fanconi Anemia. Identifiers: Orphanet 84, MedGen C1836860, MONDO:0012187, OMIM 609054.
Familial cancer of breast. Also called: BREAST CANCER, FAMILIAL; Hereditary breast cancer; hereditary breast carcinoma. Identifiers: Orphanet 227535, MedGen C0346153, MONDO:0016419, OMIM 114480. Disease mechanism: loss of function.

Submission:

Labcorp Genetics (formerly Invitae), Labcorp
Classification: Pathogenic for Familial cancer of breast; Fanconi anemia complementation group J. Last evaluated: 2024-08-19. Review status: criteria provided, single submitter. Criteria: Invitae Variant Classification Sherloc (09022015). Collection method: clinical testing. Allele origin: germline.
Comment: This sequence change creates a premature translational stop signal (p.Glu737Alafs*5) in the BRIP1 gene. It is expected to result in an absent or disrupted protein product. Loss-of-function variants in BRIP1 are known to be pathogenic (PMID: 16116423, 17033622, 21964575). This variant is not present in population databases (gnomAD no frequency). This variant has not been reported in the literature in individuals affected with BRIP1-related conditions. For these reasons, this variant has been classified as Pathogenic.

Literature cited by the submitters: PubMed 16116423; PubMed 17033622; PubMed 21964575.

NM_032043.3(BRIP1):c.2210_2217del (p.Glu737fs)

Gene: BRIP1 (BRCA1 interacting DNA helicase 1; minus strand). Cytogenetic location: 17q23.2.
Variant type: Deletion.
Coding change: c.2210_2217del on transcript NM_032043.3 (MANE Select); coding-DNA positions 2210 to 2217, 8 bases deleted (AATTACTG; older notation c.2210_2217delAATTACTG).
Protein change: p.Glu737fs; shifts the reading frame from glutamic acid 737.
Molecular consequence: frameshift variant.
Genome position (GRCh38, 1-based): chr17:61,744,472-61,744,479, CAGTAATT deleted on the plus strand (AATTACTG on the coding strand, the reverse complement: BRIP1 is on the minus strand); deleting any 8 consecutive bases within chr17:61,744,472-61,744,481 gives the same sequence; the c. name uses the placement nearest the transcript's 3' end. VCF-style (leftmost placement, unchanged base first): chr17-61744471-GCAGTAATT-G. GRCh37 (hg19) VCF-style: chr17-59821832-GCAGTAATT-G.
Other names: short protein forms E737fs.
Identifiers: ClinVar variation 3757729 (VCV003757729.2).
Genomic context (GRCh38, chr17:61,744,471, plus strand): 5'-CATGAAATAATTTCCAGTTACCTTTCTCTCCTTTGTATTTGATTGCGTCATAGTACACCT[GCAGTAATT>G]CATCAAAATTTGTTTTTTCTCCTCCCTGTGGTTCTACAATGACTGTCTTCACCAACTCCA-3'